The following is an entry in ClinVar:

ClinVar aggregate classification (germline): Pathogenic (1 of 4 stars; one submission).

Conditions:
Kabuki syndrome. Also called: NIIKAWA-KUROKI SYNDROME; Kabuki make-up syndrome. Identifiers: Orphanet 2322, MedGen C0796004, MONDO:0016512.

Submission:

Labcorp Genetics (formerly Invitae), Labcorp
Classification: Pathogenic for Kabuki syndrome. Last evaluated: 2018-10-03. Review status: criteria provided, single submitter. Criteria: Invitae Variant Classification Sherloc (09022015). Collection method: clinical testing. Allele origin: germline.
Comment: This sequence change creates a premature translational stop signal (p.Gln2682*) in the KMT2D gene. It is expected to result in an absent or disrupted protein product. This variant is not present in population databases (ExAC no frequency). This variant has not been reported in the literature in individuals with KMT2D-related disease. Algorithms developed to predict the effect of sequence changes on RNA splicing suggest that this variant may create or strengthen a splice site, but this prediction has not been confirmed by published transcriptional studies. Loss-of-function variants in KMT2D are known to be pathogenic (PMID: 22126750). For these reasons, this variant has been classified as Pathogenic.

Literature cited by the submitters: PubMed 22126750.

NM_003482.4(KMT2D):c.8044C>T (p.Gln2682Ter)

Gene: KMT2D (lysine methyltransferase 2D; minus strand). Cytogenetic location: 12q13.12.
Variant type: single nucleotide variant.
Coding change: c.8044C>T on transcript NM_003482.4 (MANE Select); coding-DNA position 8044, C replaced by T.
Protein change: p.Gln2682Ter; replaces glutamine 2682 with a stop codon.
Molecular consequence: nonsense.
Genome position (GRCh38, 1-based): chr12:49,039,726, G>A on the plus strand (C>T on the coding strand, the complement: KMT2D is on the minus strand). VCF-style: chr12-49039726-G-A. GRCh37 (hg19) VCF-style: chr12-49433509-G-A.
Other names: short protein forms Q2682*.
Identifiers: ClinVar variation 658825 (VCV000658825.6), dbSNP rs1592133696, ClinGen allele CA384745641.